The following is an entry in ClinVar:

ClinVar aggregate classification (germline): Uncertain significance (1 of 4 stars; one submission).

Submission:

Labcorp Genetics (formerly Invitae), Labcorp
Classification: Uncertain significance. Last evaluated: 2021-12-27. Review status: criteria provided, single submitter. Criteria: Invitae Variant Classification Sherloc (09022015). Collection method: clinical testing. Allele origin: germline.
Comment: This sequence change replaces glutamic acid, which is acidic and polar, with aspartic acid, which is acidic and polar, at codon 68 of the PRPF3 protein (p.Glu68Asp). This variant is not present in population databases (gnomAD no frequency). This variant has not been reported in the literature in individuals affected with PRPF3-related conditions. Algorithms developed to predict the effect of missense changes on protein structure and function (SIFT, PolyPhen-2, Align-GVGD) all suggest that this variant is likely to be tolerated. In summary, the available evidence is currently insufficient to determine the role of this variant in disease. Therefore, it has been classified as a Variant of Uncertain Significance.

NM_004698.4(PRPF3):c.204G>C (p.Glu68Asp)

Gene: PRPF3 (pre-mRNA processing factor 3; plus strand). Cytogenetic location: 1q21.2.
Variant type: single nucleotide variant.
Coding change: c.204G>C on transcript NM_004698.4 (MANE Select); coding-DNA position 204, G replaced by C.
Protein change: p.Glu68Asp; replaces glutamic acid 68 with aspartic acid.
Molecular consequence: missense variant. On other transcripts: 5 prime UTR variant (1), non-coding transcript variant (4).
Genome position (GRCh38, 1-based): chr1:150,325,809, G>C. VCF-style: chr1-150325809-G-C. GRCh37 (hg19) VCF-style: chr1-150298267-G-C.
Other names: c.-298G>C (NM_001350529.1); short protein forms E68D.
Identifiers: ClinVar variation 2063290 (VCV002063290.4), dbSNP rs2525058351, ClinGen allele CA342286475.